The following is an entry in ClinVar:

ClinVar aggregate classification (germline): Uncertain significance (1 of 4 stars; one submission).

Submission:

GeneDx
Classification: Uncertain significance. Last evaluated: 2023-12-28. Review status: criteria provided, single submitter. Criteria: GeneDx Variant Classification Process June 2021. Collection method: clinical testing. Allele origin: germline. Affected: yes.
Comment: Not observed at significant frequency in large population cohorts (gnomAD); In silico analysis supports that this missense variant has a deleterious effect on protein structure/function; Has not been previously published as pathogenic or benign to our knowledge

NM_001291415.2(KDM6A):c.947C>G (p.Ala316Gly)

Gene: KDM6A (lysine demethylase 6A; plus strand). Cytogenetic location: Xp11.3.
Variant type: single nucleotide variant.
Coding change: c.947C>G on transcript NM_001291415.2 (MANE Select); coding-DNA position 947, C replaced by G.
Protein change: p.Ala316Gly; replaces alanine 316 with glycine.
Molecular consequence: missense variant. On other transcripts: non-coding transcript variant (1).
Genome position (GRCh38, 1-based): chrX:45,059,077, C>G. VCF-style: chrX-45059077-C-G. GRCh37 (hg19) VCF-style: chrX-44918322-C-G.
Other names: c.947C>G, p.Ala316Gly (NM_001291416.2, NM_001291417.2, NM_001291418.2 and 9 more transcripts); c.194C>G, p.Ala65Gly (NM_001291421.2); short protein forms A316G, A65G.
Identifiers: ClinVar variation 3367259 (VCV003367259.1).